The following is an entry in ClinVar:

ClinVar aggregate classification (germline): Conflicting classifications of pathogenicity. Review status: criteria provided, conflicting classifications (1 of 4 stars). 2 submissions from 2 submitters: Likely pathogenic (1); Uncertain significance (1). Last evaluated 2025-03-21.

Conditions:
Nemaline myopathy. Also called: Myopathies, Nemaline. Identifiers: Orphanet 607, MedGen C0206157, MONDO:0018958.

gnomAD v4.1: 1 of 152,168 alleles (0.00066%); highest among the groups gnomAD compares: Non-Finnish European, 0.0015%; no homozygotes.

Submissions (2):

Broad Center for Mendelian Genomics, Broad Institute of MIT and Harvard
Classification: Likely pathogenic for Nemaline myopathy. Last evaluated: 2025-03-21. Review status: criteria provided, single submitter. Criteria: ACMG Guidelines, 2015. Collection method: curation. Allele origin: germline. Inheritance: Autosomal recessive inheritance.
Comment: The c.1569+339A>G variant in NEB has been reported, in the compound heterozygous state, in one individual with nemaline myopathy (PMID: 30467404), and has been identified in 0.001% (1/68036) of European (non-Finnish) chromosomes by the Genome Aggregation Database (gnomAD; dbSNP ID: rs2099595431). Although this variant has been seen in the general population in a heterozygous state, its frequency is low enough to be consistent with a recessive carrier frequency. This variant is located in the intronic region. Computational tools suggest an impact to splicing. However, this information is not predictive enough to determine pathogenicity. RNAseq analysis performed on affected tissue shows inclusion of a cryptic out-of-frame exon. Loss of function of the NEB gene is an established disease mechanism in autosomal recessive nemaline myopathy. In summary, although additional studies are required to fully establish its clinical significance, this variant is likely pathogenic for autosomal recessive autosomal recessive nemaline myopathy. ACMG/AMP Criteria applied: PVS1, PM2_supporting (Richards 2015).

Revvity Omics, Revvity
Classification: Uncertain significance. Last evaluated: 2024-01-31. Review status: criteria provided, single submitter. Criteria: ACMG Guidelines, 2015. Collection method: clinical testing. Allele origin: germline.

NM_001164508.2(NEB):c.1569+339A>G

Gene: NEB (nebulin; minus strand). Cytogenetic location: 2q23.3.
Variant type: single nucleotide variant.
Coding change: c.1569+339A>G on transcript NM_001164508.2 (MANE Select); 339 bases into the intron after coding-DNA position 1569, A replaced by G.
Molecular consequence: intron variant.
Genome position (GRCh38, 1-based): chr2:151,696,298, T>C on the plus strand (A>G on the coding strand, the complement: NEB is on the minus strand). VCF-style: chr2-151696298-T-C. GRCh37 (hg19) VCF-style: chr2-152552812-T-C.
Other names: NM_001164508.2:c.1569+339A>G; c.1569+339A>G (NM_004543.5, NM_001164507.2, NM_001271208.2).
Identifiers: ClinVar variation 3776998 (VCV003776998.2).